The following is an entry in ClinVar:

ClinVar aggregate classification (germline): Conflicting classifications of pathogenicity. Review status: criteria provided, conflicting classifications (1 of 4 stars). 4 submissions from 4 submitters: Uncertain significance (3); Likely benign (1). Last evaluated 2026-01-26.

Conditions:
Rhabdoid tumor predisposition syndrome 2 (RTPS2). Identifiers: Orphanet 231108, Orphanet 69077, MedGen C2750074, MONDO:0013224, OMIM 613325.
Intellectual disability, autosomal dominant 16 (CSS4). Also called: COFFIN-SIRIS SYNDROME 4. Identifiers: Orphanet 1465, MedGen C3553249, MONDO:0013821, OMIM 614609.
Hereditary cancer-predisposing syndrome. Also called: Tumor predisposition; Hereditary neoplastic syndrome; Hereditary Cancer Syndrome; Neoplastic Syndromes, Hereditary. Identifiers: Orphanet 140162, MedGen C0027672, MeSH D009386, MONDO:0015356.

Allele frequency attached by ClinVar (database versions not stated): gnomAD exomes below 0.00001; gnomAD 0.00001; TOPMed 0.00001.
gnomAD v4.1: 2 of 1,613,696 alleles (0.00012%); highest among the groups gnomAD compares: Non-Finnish European, 0.000085%; no homozygotes.

Submissions (4):

Labcorp Genetics (formerly Invitae), Labcorp
Classification: Uncertain significance for Rhabdoid tumor predisposition syndrome 2. Last evaluated: 2026-01-26. Review status: criteria provided, single submitter. Criteria: Invitae Variant Classification Sherloc (09022015). Collection method: clinical testing. Allele origin: germline.
Comment: This sequence change replaces valine, which is neutral and non-polar, with isoleucine, which is neutral and non-polar, at codon 1302 of the SMARCA4 protein (p.Val1302Ile). This variant is not present in population databases (gnomAD no frequency). This variant has not been reported in the literature in individuals affected with SMARCA4-related conditions. ClinVar contains an entry for this variant (Variation ID: 470374). Invitae Evidence Modeling of protein sequence and biophysical properties (such as structural, functional, and spatial information, amino acid conservation, physicochemical variation, residue mobility, and thermodynamic stability) indicates that this missense variant is not expected to disrupt SMARCA4 protein function with a negative predictive value of 95%. In summary, the available evidence is currently insufficient to determine the role of this variant in disease. Therefore, it has been classified as a Variant of Uncertain Significance.

GeneDx
Classification: Uncertain significance. Last evaluated: 2023-09-21. Review status: criteria provided, single submitter. Criteria: GeneDx Variant Classification Process June 2021. Collection method: clinical testing. Allele origin: germline.
Comment: In silico analysis supports that this missense variant does not alter protein structure/function; Has not been previously published as pathogenic or benign to our knowledge; This variant is associated with the following publications: (PMID: 25231023)

Genome-Nilou Lab
Classification: Uncertain significance for Intellectual disability, autosomal dominant 16. Last evaluated: 2021-07-15. Review status: criteria provided, single submitter. Criteria: ACMG Guidelines, 2015. Collection method: clinical testing. Allele origin: germline. Affected: no.

Ambry Genetics
Classification: Likely benign for Hereditary cancer-predisposing syndrome. Last evaluated: 2021-03-17. Review status: criteria provided, single submitter. Criteria: Ambry Variant Classification Scheme 2023. Collection method: clinical testing. Allele origin: germline.

Literature cited by the submitters: PubMed 25231023 (cited by Ambry Genetics).

NM_003072.5(SMARCA4):c.3904G>A (p.Val1302Ile)

Gene: SMARCA4 (SWI/SNF related BAF chromatin remodeling complex subunit ATPase 4; plus strand). Cytogenetic location: 19p13.2.
Variant type: single nucleotide variant.
Coding change: c.3904G>A on transcript NM_003072.5 (MANE Select); coding-DNA position 3904, G replaced by A.
Protein change: p.Val1302Ile; replaces valine 1302 with isoleucine.
Molecular consequence: missense variant. On other transcripts: non-coding transcript variant (1).
Genome position (GRCh38, 1-based): chr19:11,034,153, G>A. VCF-style: chr19-11034153-G-A. GRCh37 (hg19) VCF-style: chr19-11144829-G-A.
Other names: c.3904G>A, p.Val1302Ile (NM_001128844.3, NM_001128849.3, NM_001387283.1); c.3805G>A, p.Val1269Ile (NM_001128845.2, NM_001128846.2, NM_001128847.4 and 2 more transcripts); short protein forms V1302I, V1269I.
Identifiers: ClinVar variation 470374 (VCV000470374.18), dbSNP rs1185321977, ClinGen allele CA404067852.